The following is an entry in ClinVar:

ClinVar aggregate classification (germline): Uncertain significance (1 of 4 stars; one submission).

Submission:

GeneDx
Classification: Uncertain significance. Last evaluated: 2023-10-25. Review status: criteria provided, single submitter. Criteria: GeneDx Variant Classification Process June 2021. Collection method: clinical testing. Allele origin: germline. Affected: yes.
Comment: Not observed at significant frequency in large population cohorts (gnomAD); In silico analysis supports that this missense variant has a deleterious effect on protein structure/function; Has not been previously published as pathogenic or benign to our knowledge

NM_006280.3(SSR4):c.504G>C (p.Lys168Asn)

Gene: SSR4 (signal sequence receptor subunit 4; plus strand). Cytogenetic location: Xq28.
Variant type: single nucleotide variant.
Coding change: c.504G>C on transcript NM_006280.3 (MANE Select); coding-DNA position 504, G replaced by C.
Protein change: p.Lys168Asn; replaces lysine 168 with asparagine.
Molecular consequence: missense variant.
Genome position (GRCh38, 1-based): chrX:153,798,415, G>C. VCF-style: chrX-153798415-G-C. GRCh37 (hg19) VCF-style: chrX-153063870-G-C.
Other names: c.537G>C, p.Lys179Asn (NM_001204526.2); c.528G>C, p.Lys176Asn (NM_001204527.2); short protein forms K168N, K176N, K179N.
Identifiers: ClinVar variation 2663294 (VCV002663294.1), dbSNP rs2520539160, ClinGen allele CA415187463.